The following is an entry in ClinVar:

NM_013275.6(ANKRD11):c.1915A>C (p.Lys639Gln)

Gene: ANKRD11 (ankyrin repeat domain containing 11; minus strand). Cytogenetic location: 16q24.3.
Variant type: single nucleotide variant.
Coding change: c.1915A>C on transcript NM_013275.6 (MANE Select); coding-DNA position 1915, A replaced by C.
Protein change: p.Lys639Gln; replaces lysine 639 with glutamine.
Molecular consequence: missense variant.
Genome position (GRCh38, 1-based): chr16:89,284,627, T>G on the plus strand (A>C on the coding strand, the complement: ANKRD11 is on the minus strand). VCF-style: chr16-89284627-T-G. GRCh37 (hg19) VCF-style: chr16-89351035-T-G.
Other names: c.1915A>C, p.Lys639Gln (NM_001256182.2, NM_001256183.2); short protein forms K639Q.
Identifiers: ClinVar variation 1683892 (VCV001683892.2), dbSNP rs757734392, ClinGen allele CA8242664.

ClinVar aggregate classification (germline): Uncertain significance (1 of 4 stars; one submission).

Allele frequency attached by ClinVar (database versions not stated): gnomAD exomes below 0.00001; ExAC 0.00001.
gnomAD v4.1: 1 of 1,614,134 alleles (0.000062%); highest among the groups gnomAD compares: Non-Finnish European, 0.000085%; no homozygotes.

Submission:

GeneDx
Classification: Uncertain significance. Last evaluated: 2022-04-25. Review status: criteria provided, single submitter. Criteria: GeneDx Variant Classification Process June 2021. Collection method: clinical testing. Allele origin: germline. Affected: yes.
Comment: Not observed at significant frequency in large population cohorts (gnomAD); In silico analysis supports that this missense variant does not alter protein structure/function; Has not been previously published as pathogenic or benign to our knowledge